The following is an entry in ClinVar:

NM_014239.4(EIF2B2):c.89G>T (p.Ser30Ile)

Gene: EIF2B2 (eukaryotic translation initiation factor 2B subunit beta; plus strand). Cytogenetic location: 14q24.3.
Variant type: single nucleotide variant.
Coding change: c.89G>T on transcript NM_014239.4 (MANE Select); coding-DNA position 89, G replaced by T.
Protein change: p.Ser30Ile; replaces serine 30 with isoleucine.
Molecular consequence: missense variant.
Genome position (GRCh38, 1-based): chr14:75,003,079, G>T. VCF-style: chr14-75003079-G-T. GRCh37 (hg19) VCF-style: chr14-75469782-G-T.
Other names: short protein forms S30I.
Identifiers: ClinVar variation 2094621 (VCV002094621.4), dbSNP rs529670879, ClinGen allele CA390423205.
Genomic context (GRCh38, chr14:75,003,079, plus strand): 5'-AGTTGTCAGAGAGGATCGAGAGCTTCGTGGAGACCCTGAAGCGGGGTGGTGGGCCGCGCA[G>T]CTCCGAGGAAATGGCTCGGGAGACCCTAGGGTTGCTGCGCCAGATCATCACGGACCACCG-3'
Protein context (NP_055054.1, residues 20-40): ETLKRGGGPR[Ser30Ile]SEEMARETLG

ClinVar aggregate classification (germline): Uncertain significance (1 of 4 stars; one submission).

Allele frequency attached by ClinVar (database versions not stated): TOPMed 0.00002.

Submission:

Labcorp Genetics (formerly Invitae), Labcorp
Classification: Uncertain significance. Last evaluated: 2025-03-31. Review status: criteria provided, single submitter. Criteria: Invitae Variant Classification Sherloc (09022015). Collection method: clinical testing. Allele origin: germline.
Comment: This sequence change replaces serine, which is neutral and polar, with isoleucine, which is neutral and non-polar, at codon 30 of the EIF2B2 protein (p.Ser30Ile). This variant is not present in population databases (gnomAD no frequency). This variant has not been reported in the literature in individuals affected with EIF2B2-related conditions. ClinVar contains an entry for this variant (Variation ID: 2094621). Invitae Evidence Modeling of protein sequence and biophysical properties (such as structural, functional, and spatial information, amino acid conservation, physicochemical variation, residue mobility, and thermodynamic stability) indicates that this missense variant is not expected to disrupt EIF2B2 protein function with a negative predictive value of 80%. In summary, the available evidence is currently insufficient to determine the role of this variant in disease. Therefore, it has been classified as a Variant of Uncertain Significance.